The following is an entry in ClinVar:

NM_000245.4(MET):c.4014_4017delinsGGCA (p.Ser1338_Ala1339=)

Gene: MET (MET proto-oncogene, receptor tyrosine kinase; plus strand). Cytogenetic location: 7q31.2.
Variant type: Indel.
Coding change: c.4014_4017delinsGGCA on transcript NM_000245.4 (MANE Select); coding-DNA positions 4014 to 4017, AGCG replaced by GGCA.
Protein change: p.Ser1338_Ala1339=.
Molecular consequence: synonymous variant.
Genome position (GRCh38, 1-based): chr7:116,795,965-116,795,968, AGCG replaced by GGCA. VCF-style: chr7-116795965-AGCG-GGCA. GRCh37 (hg19) VCF-style: chr7-116436019-AGCG-GGCA.
Other names: c.4068_4071delinsGGCA, p.Ser1356_Ala1357= (NM_001127500.3); c.2724_2727delinsGGCA, p.Ser908_Ala909= (NM_001324402.2).
Identifiers: ClinVar variation 3773286 (VCV003773286.1).

ClinVar aggregate classification (germline): Benign (1 of 4 stars; one submission).

Conditions:
Papillary renal cell carcinoma type 1 (RCCP1). Also called: Renal adenocarcinoma; Renal cell carcinoma 1; Renal cell carcinoma, somatic; RENAL CELL CARCINOMA, PAPILLARY, 1, SOMATIC. Identifiers: Orphanet 47044, MedGen C1336839, OMIM 605074, HP:0011797.

Submission:

Myriad Genetics, Inc.
Classification: Benign for Papillary renal cell carcinoma type 1. Last evaluated: 2024-11-15. Review status: criteria provided, single submitter. Criteria: Myriad Autosomal Dominant, Autosomal Recessive and X-Linked Classification Criteria (2023). Collection method: clinical testing. Allele origin: unknown.
Comment: This variant is considered benign. This variant is a silent/synonymous amino acid change and it is not expected to impact splicing.